The following is an entry in ClinVar:

NM_198586.3(NHLRC1):c.943T>A (p.Tyr315Asn)

Gene: NHLRC1 (NHL repeat containing E3 ubiquitin protein ligase 1; minus strand). Cytogenetic location: 6p22.3.
Variant type: single nucleotide variant.
Coding change: c.943T>A on transcript NM_198586.3 (MANE Select); coding-DNA position 943, T replaced by A.
Protein change: p.Tyr315Asn; replaces tyrosine 315 with asparagine.
Molecular consequence: missense variant.
Genome position (GRCh38, 1-based): chr6:18,121,664, A>T on the plus strand (T>A on the coding strand, the complement: NHLRC1 is on the minus strand). VCF-style: chr6-18121664-A-T. GRCh37 (hg19) VCF-style: chr6-18121895-A-T.
Other names: short protein forms Y315N.
Identifiers: ClinVar variation 1721014 (VCV001721014.6), dbSNP rs762064606, ClinGen allele CA362825626.

ClinVar aggregate classification (germline): Uncertain significance (1 of 4 stars; one submission).

Conditions:
Lafora disease. Also called: Epilepsy progressive myoclonic 2; Progressive Myoclonus Epilepsy, Lafora Type. Identifiers: Orphanet 501, MedGen C0751783, MONDO:0009697.

gnomAD v4.1: 4 of 1,614,162 alleles (0.00025%); highest among the groups gnomAD compares: Non-Finnish European, 0.00034%; no homozygotes.

Submission:

Labcorp Genetics (formerly Invitae), Labcorp
Classification: Uncertain significance for Lafora disease. Last evaluated: 2022-07-29. Review status: criteria provided, single submitter. Criteria: Invitae Variant Classification Sherloc (09022015). Collection method: clinical testing. Allele origin: germline.
Comment: This sequence change replaces tyrosine, which is neutral and polar, with asparagine, which is neutral and polar, at codon 315 of the NHLRC1 protein (p.Tyr315Asn). In summary, the available evidence is currently insufficient to determine the role of this variant in disease. Therefore, it has been classified as a Variant of Uncertain Significance. Algorithms developed to predict the effect of missense changes on protein structure and function are either unavailable or do not agree on the potential impact of this missense change (SIFT: "Deleterious"; PolyPhen-2: "Benign"; Align-GVGD: "Class C25"). This variant has not been reported in the literature in individuals affected with NHLRC1-related conditions. This variant is not present in population databases (gnomAD no frequency).